The following is an entry in ClinVar:

NM_006922.4(SCN3A):c.2186G>A (p.Cys729Tyr)

Gene: SCN3A (sodium voltage-gated channel alpha subunit 3; minus strand). Cytogenetic location: 2q24.3.
Variant type: single nucleotide variant.
Coding change: c.2186G>A on transcript NM_006922.4 (MANE Select); coding-DNA position 2186, G replaced by A.
Protein change: p.Cys729Tyr; replaces cysteine 729 with tyrosine.
Molecular consequence: missense variant.
Genome position (GRCh38, 1-based): chr2:165,138,084, C>T on the plus strand (G>A on the coding strand, the complement: SCN3A is on the minus strand). VCF-style: chr2-165138084-C-T. GRCh37 (hg19) VCF-style: chr2-165994594-C-T.
Other names: c.2039G>A, p.Cys680Tyr (NM_001081676.2, NM_001081677.2); short protein forms C680Y, C729Y.
Identifiers: ClinVar variation 1802119 (VCV001802119.4), dbSNP rs2468304238, ClinGen allele CA349045410.
Genomic context (GRCh38, chr2:165,138,084, plus strand): 5'-ACTTTTAACCATGCATCACAGCAGTCCCAGATCAAGAACACATTGGCAAATCTATACCAG[C>T]ATGGCGGACATTTCTGTCTAGATTCTTCAAGTTCTGGAGGGACAATAACAAGGAAGAGTA-3'
Protein context (NP_008853.3, residues 719-739): LEESRQKCPP[Cys729Tyr]WYRFANVFLI

ClinVar aggregate classification (germline): Uncertain significance. Review status: criteria provided, multiple submitters, no conflicts (2 of 4 stars). 2 submissions from 2 submitters: Uncertain significance (2). Last evaluated 2023-12-24.

Submissions (2):

Labcorp Genetics (formerly Invitae), Labcorp
Classification: Uncertain significance. Last evaluated: 2023-12-24. Review status: criteria provided, single submitter. Criteria: Invitae Variant Classification Sherloc (09022015). Collection method: clinical testing. Allele origin: germline.
Comment: This sequence change replaces cysteine, which is neutral and slightly polar, with tyrosine, which is neutral and polar, at codon 729 of the SCN3A protein (p.Cys729Tyr). This variant is not present in population databases (gnomAD no frequency). This variant has not been reported in the literature in individuals affected with SCN3A-related conditions. ClinVar contains an entry for this variant (Variation ID: 1802119). Advanced modeling of protein sequence and biophysical properties (such as structural, functional, and spatial information, amino acid conservation, physicochemical variation, residue mobility, and thermodynamic stability) has been performed at Invitae for this missense variant, however the output from this modeling did not meet the statistical confidence thresholds required to predict the impact of this variant on SCN3A protein function. In summary, the available evidence is currently insufficient to determine the role of this variant in disease. Therefore, it has been classified as a Variant of Uncertain Significance.

GeneDx
Classification: Uncertain significance. Last evaluated: 2022-11-21. Review status: criteria provided, single submitter. Criteria: GeneDx Variant Classification Process June 2021. Collection method: clinical testing. Allele origin: germline. Affected: yes.
Comment: Not observed at significant frequency in large population cohorts (gnomAD); In silico analysis supports that this missense variant has a deleterious effect on protein structure/function; Has not been previously published as pathogenic or benign to our knowledge